The following is an entry in ClinVar:

ClinVar aggregate classification (germline): Pathogenic (1 of 4 stars; one submission).

Conditions:
Osteogenesis imperfecta type I (OI1). Also called: Lobstein's Disease; Lobstein disease; Classic Non-deforming Osteogenesis Imperfecta with Blue Sclerae; OI, TYPE I; OSTEOGENESIS IMPERFECTA TARDA; OSTEOGENESIS IMPERFECTA WITH BLUE SCLERAE. Identifiers: Orphanet 216796, Orphanet 666, MedGen C0023931, MONDO:0008146, OMIM 166200. Disease mechanism: loss of function.

Submission:

Labcorp Genetics (formerly Invitae), Labcorp
Classification: Pathogenic for Osteogenesis imperfecta type I. Last evaluated: 2024-11-19. Review status: criteria provided, single submitter. Criteria: Invitae Variant Classification Sherloc (09022015). Collection method: clinical testing. Allele origin: germline.
Comment: This sequence change affects a donor splice site in intron 30 of the COL1A1 gene. It is expected to disrupt RNA splicing. Variants that disrupt the donor or acceptor splice site typically lead to a loss of protein function (PMID: 16199547), and loss-of-function variants in COL1A1 are known to be pathogenic (PMID: 7942841, 9295084, 9443882). This variant is not present in population databases (gnomAD no frequency). Disruption of this splice site has been observed in individual(s) with osteogenesis imperfecta, type 1 (PMID: 15241796). Algorithms developed to predict the effect of sequence changes on RNA splicing suggest that this variant may disrupt the consensus splice site. For these reasons, this variant has been classified as Pathogenic.

Literature cited by the submitters: PubMed 16199547; PubMed 7942841; PubMed 9295084; PubMed 9443882; PubMed 15241796.

NM_000088.4(COL1A1):c.2028+2T>C

Gene: COL1A1 (collagen type I alpha 1 chain; minus strand). Cytogenetic location: 17q21.33.
Variant type: single nucleotide variant.
Coding change: c.2028+2T>C on transcript NM_000088.4 (MANE Select); the canonical splice donor site of the intron after coding-DNA position 2028, T replaced by C.
Molecular consequence: splice donor variant.
Genome position (GRCh38, 1-based): chr17:50,191,978, A>G on the plus strand (T>C on the coding strand, the complement: COL1A1 is on the minus strand). VCF-style: chr17-50191978-A-G. GRCh37 (hg19) VCF-style: chr17-48269339-A-G.
Identifiers: ClinVar variation 3725652 (VCV003725652.2).
Genomic context (GRCh38, chr17:50,191,978, plus strand): 5'-GCTCTGGAGATAGGGCCAAGTACGACGCACCTTGACGGATGCAGCGAGAGAGGCCTACTT[A>G]CTCTTGCTCCAGAGGGGCCAGGGGCGCCAAGGTCTCCAGGAACACCCTGAGGGGGAGGGA-3'